The following is an entry in ClinVar:

ClinVar aggregate classification (germline): Pathogenic/Likely pathogenic. Review status: criteria provided, multiple submitters, no conflicts (2 of 4 stars). 3 submissions from 3 submitters: Pathogenic (1); Likely pathogenic (1). 1 of the submissions does not count toward it. Last evaluated 2025-09-02.

Conditions:
Familial thoracic aortic aneurysm and aortic dissection (TAAD). Also called: Thoracic aortic aneurysms and dissections. Identifiers: Orphanet 91387, MedGen C4707243, MONDO:0019625.
Ehlers-Danlos syndrome, type 4 (EDSVASC). Also called: Ehlers-Danlos syndrome vascular type; Ehlers Danlos syndrome, ecchymotic type; Ehlers Danlos syndrome, arterial type; Ehlers Danlos syndrome, Sack-Barabas type; Ehlers-Danlos Syndrome Type IV. Identifiers: Orphanet 286, MedGen C0268338, MONDO:0017314, OMIM 130050.

Submissions (3):

Ambry Genetics
Classification: Likely pathogenic for Familial thoracic aortic aneurysm and aortic dissection. Last evaluated: 2025-09-02. Review status: criteria provided, single submitter. Criteria: Ambry Variant Classification Scheme 2023. Collection method: clinical testing. Allele origin: germline.
Comment: The c.798+1G>A intronic variant results from a G to A substitution one nucleotide after coding exon 10 of the COL3A1 gene. This variant was reported in individual(s) with features consistent with vascular Ehlers-Danlos syndrome (EDS) (Leistritz DF et al. Genet Med, 2011 Aug;13:717-22).This variant is considered to be rare based on population cohorts in the Genome Aggregation Database (gnomAD). This nucleotide position is highly conserved in available vertebrate species In silico splice site analysis predicts that this alteration will weaken the native splice donor site and will result in the creation or strengthening of a novel splice donor site. Alterations that disrupt the canonical splice site are expected to cause aberrant splicing, resulting in an abnormal protein or a transcript that is subject to nonsense-mediated mRNA decay. As such, this alteration is classified as likely pathogenic.

Center for Genomic Medicine, Rigshospitalet, Copenhagen University Hospital
Classification: Pathogenic. Last evaluated: 2025-03-04. Review status: criteria provided, single submitter. Criteria: ACMG Guidelines, 2015. Collection method: clinical testing. Allele origin: germline.

Collagen Diagnostic Laboratory, University of Washington
Classification: Pathogenic for Ehlers-Danlos syndrome, type 4. Review status: no assertion criteria provided. Collection method: clinical testing. Allele origin: germline. Affected: yes. Not counted in ClinVar's aggregate classification.

Literature cited by the submitters: PubMed 21637106 (cited by 3 submitters).

NM_000090.4(COL3A1):c.798+1G>A

Gene: COL3A1 (collagen type III alpha 1 chain; plus strand). Cytogenetic location: 2q32.2.
Variant type: single nucleotide variant.
Coding change: c.798+1G>A on transcript NM_000090.4 (MANE Select); the canonical splice donor site of the intron after coding-DNA position 798, G replaced by A.
Molecular consequence: splice donor variant.
Genome position (GRCh38, 1-based): chr2:188,990,361, G>A. VCF-style: chr2-188990361-G-A. GRCh37 (hg19) VCF-style: chr2-189855087-G-A.
Identifiers: ClinVar variation 101155 (VCV000101155.5), dbSNP rs587779463, ClinGen allele CA007430.